The following is an entry in ClinVar:

NM_022095.4(ZNF335):c.1042C>A (p.Arg348=)

Gene: ZNF335 (zinc finger protein 335; minus strand). Cytogenetic location: 20q13.12.
Variant type: single nucleotide variant.
Coding change: c.1042C>A on transcript NM_022095.4 (MANE Select); coding-DNA position 1042, C replaced by A.
Protein change: p.Arg348=; no amino-acid change (arginine 348 retained).
Molecular consequence: synonymous variant.
Genome position (GRCh38, 1-based): chr20:45,965,688, G>T on the plus strand (C>A on the coding strand, the complement: ZNF335 is on the minus strand). VCF-style: chr20-45965688-G-T. GRCh37 (hg19) VCF-style: chr20-44594327-G-T.
Identifiers: ClinVar variation 3031971 (VCV003031971.2), dbSNP rs765024829, ClinGen allele CA9885861.

ClinVar aggregate classification (germline): Likely benign (0 of 4 stars; one submission).

Conditions:
ZNF335-related disorder. Also called: ZNF335-related condition.

Allele frequency attached by ClinVar (database versions not stated): TOPMed 0.00005; ExAC 0.00006; gnomAD 0.00009.
gnomAD v4.1: 109 of 1,601,056 alleles (0.0068%); highest among the groups gnomAD compares: East Asian, 0.025%; no homozygotes.

Submission:

PreventionGenetics, part of Exact Sciences
Classification: Likely benign for ZNF335-related condition. Last evaluated: 2023-07-20. Review status: no assertion criteria provided. Collection method: clinical testing. Allele origin: germline.
Comment: This variant is classified as likely benign based on ACMG/AMP sequence variant interpretation guidelines (Richards et al. 2015 PMID: 25741868, with internal and published modifications).